The following is an entry in ClinVar:

ClinVar aggregate classification (germline): Benign/Likely benign. Review status: criteria provided, multiple submitters, no conflicts (2 of 4 stars). 2 submissions from 2 submitters: Benign (1); Likely benign (1). Last evaluated 2026-01-25.

Allele frequency attached by ClinVar (database versions not stated): gnomAD exomes 0.00014; gnomAD 0.00037; ESP Exome Variant Server 0.00038; ExAC 0.00039; TOPMed 0.00050.
gnomAD v4.1: 205 of 1,209,825 alleles (0.017%); highest among the groups gnomAD compares: Admixed American, 0.2%; 1 homozygote.

Submissions (2):

Labcorp Genetics (formerly Invitae), Labcorp
Classification: Benign. Last evaluated: 2026-01-25. Review status: criteria provided, single submitter. Criteria: Invitae Variant Classification Sherloc (09022015). Collection method: clinical testing. Allele origin: germline.

Mayo Clinic Laboratories, Mayo Clinic
Classification: Likely benign. Last evaluated: 2025-09-03. Review status: criteria provided, single submitter. Criteria: ACMG Guidelines, 2015. Collection method: clinical testing. Allele origin: germline. Observed: 1 variant allele.
Comment: BP4, BP7

NM_016562.4(TLR7):c.3048A>C (p.Pro1016=)

Gene: TLR7 (toll like receptor 7; plus strand). Cytogenetic location: Xp22.2.
Variant type: single nucleotide variant.
Coding change: c.3048A>C on transcript NM_016562.4 (MANE Select); coding-DNA position 3048, A replaced by C.
Protein change: p.Pro1016=; no amino-acid change (proline 1016 retained).
Molecular consequence: synonymous variant.
Genome position (GRCh38, 1-based): chrX:12,888,556, A>C. VCF-style: chrX-12888556-A-C. GRCh37 (hg19) VCF-style: chrX-12906675-A-C.
Other names: p.Pro1016=.
Identifiers: ClinVar variation 2060084 (VCV002060084.5), dbSNP rs150367536, ClinGen allele CA10350126.